The following is an entry in ClinVar:

ClinVar aggregate classification (germline): Uncertain significance (1 of 4 stars; one submission).

Conditions:
Alstrom syndrome (ALMS). Identifiers: Orphanet 64, MedGen C0268425, MONDO:0008763, OMIM 203800.

gnomAD v4.1: 2 of 1,613,964 alleles (0.00012%); highest among the groups gnomAD compares: South Asian, 0.0011%; no homozygotes.

Submission:

Labcorp Genetics (formerly Invitae), Labcorp
Classification: Uncertain significance for Alstrom syndrome. Last evaluated: 2022-07-12. Review status: criteria provided, single submitter. Criteria: Invitae Variant Classification Sherloc (09022015). Collection method: clinical testing. Allele origin: germline.
Comment: This sequence change replaces threonine, which is neutral and polar, with isoleucine, which is neutral and non-polar, at codon 1473 of the ALMS1 protein (p.Thr1473Ile). This variant is not present in population databases (gnomAD no frequency). This variant has not been reported in the literature in individuals affected with ALMS1-related conditions. Experimental studies and prediction algorithms are not available or were not evaluated, and the functional significance of this variant is currently unknown. In summary, the available evidence is currently insufficient to determine the role of this variant in disease. Therefore, it has been classified as a Variant of Uncertain Significance.

NM_001378454.1(ALMS1):c.4415C>T (p.Thr1472Ile)

Gene: ALMS1 (ALMS1 centrosome and basal body associated protein; plus strand). Cytogenetic location: 2p13.1.
Variant type: single nucleotide variant.
Coding change: c.4415C>T on transcript NM_001378454.1 (MANE Select); coding-DNA position 4415, C replaced by T.
Protein change: p.Thr1472Ile; replaces threonine 1472 with isoleucine.
Molecular consequence: missense variant.
Genome position (GRCh38, 1-based): chr2:73,450,942, C>T. VCF-style: chr2-73450942-C-T. GRCh37 (hg19) VCF-style: chr2-73678069-C-T.
Other names: c.4418C>T, p.Thr1473Ile (NM_015120.4); short protein forms T1472I, T1473I.
Identifiers: ClinVar variation 1946217 (VCV001946217.5), dbSNP rs1471222688, ClinGen allele CA347278487.